The following is an entry in ClinVar:

ClinVar aggregate classification (germline): Likely pathogenic. Review status: criteria provided, multiple submitters, no conflicts (2 of 4 stars). 3 submissions from 3 submitters: Likely pathogenic (2). 1 of the submissions does not count toward it. Last evaluated 2023-05-16.

Conditions:
SLC12A6-related disorder. Also called: SLC12A6-related condition.
Agenesis of the corpus callosum with peripheral neuropathy (ACCPN). Also called: POLYNEUROPATHY, SENSORIMOTOR, WITH OR WITHOUT AGENESIS OF THE CORPUS CALLOSUM; Hereditary Motor and Sensory Neuropathy with Agenesis of the Corpus Callosum; CHARLEVOIX DISEASE; HMSN/ACC. Identifiers: Orphanet 1496, MedGen C0795950, MONDO:0000902, OMIM 218000. Disease mechanism: loss of function.

Submissions (3):

PreventionGenetics, part of Exact Sciences
Classification: Likely pathogenic for SLC12A6-related condition. Last evaluated: 2023-05-16. Review status: criteria provided, single submitter. Criteria: ACMG Guidelines, 2015. Collection method: clinical testing. Allele origin: germline.
Comment: The SLC12A6 c.3346G>T variant is predicted to result in premature protein termination (p.Glu1116*). To our knowledge, this variant has not been reported in the literature or in a large population database, indicating this variant is rare. Nonsense variants in SLC12A6 are expected to be pathogenic. This variant is interpreted as likely pathogenic.

Baylor Genetics
Classification: Likely pathogenic for Agenesis of the corpus callosum with peripheral neuropathy. Last evaluated: 2022-07-11. Review status: criteria provided, single submitter. Criteria: ACMG Guidelines, 2015. Collection method: clinical testing. Allele origin: unknown.

Counsyl
Classification: Likely pathogenic for Agenesis of the corpus callosum with peripheral neuropathy. Last evaluated: 2018-05-25. Review status: no assertion criteria provided. Collection method: clinical testing. Allele origin: unknown. Not counted in ClinVar's aggregate classification.

Literature cited by the submitters: PubMed 21628467 (cited by Counsyl); PubMed 18566107 (cited by Counsyl).

NM_001365088.1(SLC12A6):c.3346G>T (p.Glu1116Ter)

Gene: SLC12A6 (solute carrier family 12 member 6; minus strand). Cytogenetic location: 15q14.
Variant type: single nucleotide variant.
Coding change: c.3346G>T on transcript NM_001365088.1 (MANE Select); coding-DNA position 3346, G replaced by T.
Protein change: p.Glu1116Ter; replaces glutamic acid 1116 with a stop codon.
Molecular consequence: nonsense.
Genome position (GRCh38, 1-based): chr15:34,235,196, C>A on the plus strand (G>T on the coding strand, the complement: SLC12A6 is on the minus strand). VCF-style: chr15-34235196-C-A. GRCh37 (hg19) VCF-style: chr15-34527397-C-A.
Other names: c.3169G>T, p.Glu1057Ter (NM_001042494.2, NM_001042495.2); c.3319G>T, p.Glu1107Ter (NM_001042496.2); c.3301G>T, p.Glu1101Ter (NM_001042497.2); c.3193G>T, p.Glu1065Ter (NM_005135.2); c.3346G>T, p.Glu1116Ter (NM_133647.2); short protein forms E1065*, E1116*, E1107*, E1057*, E1101*.
Identifiers: ClinVar variation 558454 (VCV000558454.4), dbSNP rs1555376688, ClinGen allele CA391617048.
Genomic context (GRCh38, chr15:34,235,196, plus strand): 5'-TAAGGAGATTTTCCCTACTGGAAGCCCCACTCTTGGAAAGGATACAGTTTTCATCACCCT[C>A]AGGGTTTCGGGGTGGCCCTGGCATATTCAATAAAACCAGCTTTGCTTCATGGGACTTGTT-3'